The following is an entry in ClinVar:

ClinVar aggregate classification (germline): Likely pathogenic (1 of 4 stars; one submission).

Conditions:
Autosomal recessive limb-girdle muscular dystrophy type 2T. Also called: MUSCULAR DYSTROPHY-DYSTROGLYCANOPATHY, LIMB-GIRDLE, GMPPB-RELATED; MUSCULAR DYSTROPHY, LIMB-GIRDLE, TYPE 2T; Muscular dystrophy-dystroglycanopathy (limb-girdle), type c, 14; Limb-girdle muscular dystrophy-dystroglycanopathy, type C14. Identifiers: Orphanet 363623, MedGen C4518000, MONDO:0014142, OMIM 615352.

Submission:

Laboratory of Medical Genetics, National & Kapodistrian University of Athens
Classification: Likely pathogenic for Autosomal recessive limb-girdle muscular dystrophy type 2T. Last evaluated: 2021-08-10. Review status: criteria provided, single submitter. Criteria: ACMG Guidelines, 2015. Collection method: clinical testing. Allele origin: maternal. Affected: yes.
Comment: PM2, PM3, PP2, PP3

Literature cited by the submitters: PubMed 34008892.

NM_021971.4(GMPPB):c.827C>T (p.Pro276Leu)

Gene: GMPPB (GDP-mannose pyrophosphorylase B; minus strand). Cytogenetic location: 3p21.31.
Variant type: single nucleotide variant.
Coding change: c.827C>T on transcript NM_021971.4 (MANE Select); coding-DNA position 827, C replaced by T.
Protein change: p.Pro276Leu; replaces proline 276 with leucine.
Molecular consequence: missense variant.
Genome position (GRCh38, 1-based): chr3:49,722,089, G>A on the plus strand (C>T on the coding strand, the complement: GMPPB is on the minus strand). VCF-style: chr3-49722089-G-A. GRCh37 (hg19) VCF-style: chr3-49759522-G-A.
Other names: c.827C>T, p.Pro276Leu (NM_013334.4); short protein forms P276L.
Identifiers: ClinVar variation 1299526 (VCV001299526.1), dbSNP rs766298888, ClinGen allele CA352827493.
Genomic context (GRCh38, chr3:49,722,089, plus strand): 5'-CGGGCATCCCGCAGCACCGTGCACCGCCGGATACACACACCATCTTCGACCACCACGCCA[G>A]GTCCCAGGCTCACATTGGGGCCAATGCTGCAGTTCTGGCCGATGCGGGCACTTGGGTCCT-3'
Protein context (NP_068806.2, residues 266-286): CSIGPNVSLG[Pro276Leu]GVVVEDGVCI